The following is an entry in ClinVar:

ClinVar aggregate classification (germline): Likely benign. Review status: criteria provided, multiple submitters, no conflicts (2 of 4 stars). 3 submissions from 3 submitters: Likely benign (3). Last evaluated 2026-06-06.

Conditions:
CD151-related disorder. Also called: CD151-related condition.

Allele frequency attached by ClinVar (database versions not stated): ESP Exome Variant Server 0.00008; ExAC 0.00017; gnomAD 0.00019; TOPMed 0.00032.
gnomAD v4.1: 170 of 1,613,166 alleles (0.011%); highest among the groups gnomAD compares: Admixed American, 0.12%; no homozygotes.

Submissions (3):

PreventionGenetics, part of Exact Sciences
Classification: Likely benign for CD151-related condition. Last evaluated: 2026-06-06. Review status: criteria provided, single submitter. Criteria: ACMG Guidelines, 2015. Collection method: clinical testing. Allele origin: germline.
Comment: This variant is classified as likely benign based on ACMG/AMP sequence variant interpretation guidelines (Richards et al. 2015 PMID: 25741868, with internal and published modifications).

Labcorp Genetics (formerly Invitae), Labcorp
Classification: Likely benign. Last evaluated: 2025-06-12. Review status: criteria provided, single submitter. Criteria: Invitae Variant Classification Sherloc (09022015). Collection method: clinical testing. Allele origin: germline.

Blueprint Genetics
Classification: Likely benign. Last evaluated: 2024-02-21. Review status: criteria provided, single submitter. Criteria: ACMG Guidelines, 2015. Collection method: clinical testing. Allele origin: germline.

NM_004357.5(CD151):c.546C>T (p.Asp182=)

Gene: CD151 (CD151 molecule (Raph blood group); plus strand). Cytogenetic location: 11p15.5.
Variant type: single nucleotide variant.
Coding change: c.546C>T on transcript NM_004357.5 (MANE Select); coding-DNA position 546, C replaced by T.
Protein change: p.Asp182=; no amino-acid change (aspartic acid 182 retained).
Molecular consequence: synonymous variant.
Genome position (GRCh38, 1-based): chr11:837,549, C>T. VCF-style: chr11-837549-C-T. GRCh37 (hg19) VCF-style: chr11-837549-C-T.
Other names: c.546C>T, p.Asp182= (NM_001039490.2, NM_139029.2, NM_139030.4); c.546C>T (NM_004357.4).
Identifiers: ClinVar variation 2050926 (VCV002050926.6), dbSNP rs151010219, ClinGen allele CA5792255.